The following is an entry in ClinVar:

ClinVar aggregate classification (germline): Uncertain significance (1 of 4 stars; one submission).

Submission:

Labcorp Genetics (formerly Invitae), Labcorp
Classification: Uncertain significance. Last evaluated: 2022-03-09. Review status: criteria provided, single submitter. Criteria: Invitae Variant Classification Sherloc (09022015). Collection method: clinical testing. Allele origin: germline.
Comment: In summary, the available evidence is currently insufficient to determine the role of this variant in disease. Therefore, it has been classified as a Variant of Uncertain Significance. Advanced modeling of protein sequence and biophysical properties (such as structural, functional, and spatial information, amino acid conservation, physicochemical variation, residue mobility, and thermodynamic stability) performed at Invitae indicates that this missense variant is not expected to disrupt WFS1 protein function. This variant has not been reported in the literature in individuals affected with WFS1-related conditions. This variant is not present in population databases (gnomAD no frequency). This sequence change replaces tyrosine, which is neutral and polar, with asparagine, which is neutral and polar, at codon 530 of the WFS1 protein (p.Tyr530Asn).

NM_006005.3(WFS1):c.1588T>A (p.Tyr530Asn)

Gene: WFS1 (wolframin ER transmembrane glycoprotein; plus strand). Cytogenetic location: 4p16.1.
Variant type: single nucleotide variant.
Coding change: c.1588T>A on transcript NM_006005.3 (MANE Select); coding-DNA position 1588, T replaced by A.
Protein change: p.Tyr530Asn; replaces tyrosine 530 with asparagine.
Molecular consequence: missense variant.
Genome position (GRCh38, 1-based): chr4:6,301,383, T>A. VCF-style: chr4-6301383-T-A. GRCh37 (hg19) VCF-style: chr4-6303110-T-A.
Other names: c.1588T>A, p.Tyr530Asn (NM_001145853.1); short protein forms Y530N.
Identifiers: ClinVar variation 2087343 (VCV002087343.4), dbSNP rs2474194304, ClinGen allele CA356176122.